The following is an entry in ClinVar:

ClinVar aggregate classification (germline): Likely benign (1 of 4 stars; one submission).

Allele frequency attached by ClinVar (database versions not stated): 1000 Genomes Project 30x 0.00250; 1000 Genomes Project 0.00260; TOPMed 0.00651; gnomAD 0.00672 and 0.00675.
gnomAD v4.1: 1,016 of 152,262 alleles (0.67%); highest among the groups gnomAD compares: Non-Finnish European, 1.2%; 8 homozygotes.

Submission:

GeneDx
Classification: Likely benign. Last evaluated: 2018-06-14. Review status: criteria provided, single submitter. Criteria: GeneDx Variant Classification (06012015). Collection method: clinical testing. Allele origin: germline. Affected: yes.
Comment: This variant is considered likely benign or benign based on one or more of the following criteria: it is a conservative change, it occurs at a poorly conserved position in the protein, it is predicted to be benign by multiple in silico algorithms, and/or has population frequency not consistent with disease.

NM_203447.4(DOCK8):c.1422+271G>T

Gene: DOCK8 (dedicator of cytokinesis 8; plus strand). Cytogenetic location: 9p24.3.
Variant type: single nucleotide variant.
Coding change: c.1422+271G>T on transcript NM_203447.4 (MANE Select); 271 bases into the intron after coding-DNA position 1422, G replaced by T.
Molecular consequence: intron variant.
Genome position (GRCh38, 1-based): chr9:336,989, G>T. VCF-style: chr9-336989-G-T. GRCh37 (hg19) VCF-style: chr9-336989-G-T.
Other names: c.1218+271G>T (NM_001193536.2, NM_001190458.2).
Identifiers: ClinVar variation 672942 (VCV000672942.1), dbSNP rs117918447, ClinGen allele CA187761742.